The following is an entry in ClinVar:

NM_024408.4(NOTCH2):c.6403_6404del (p.Leu2135fs)

Gene: NOTCH2 (notch receptor 2; minus strand). Cytogenetic location: 1p12.
Variant type: Microsatellite.
Coding change: c.6403_6404del on transcript NM_024408.4 (MANE Select); coding-DNA positions 6403 to 6404, 2 bases deleted (CT; older notation c.6403_6404delCT).
Protein change: p.Leu2135fs; shifts the reading frame from leucine 2135.
Molecular consequence: frameshift variant.
Genome position (GRCh38, 1-based): chr1:119,916,318-119,916,319, AG deleted on the plus strand (CT on the coding strand, the reverse complement: NOTCH2 is on the minus strand); deleting any 2 consecutive bases within chr1:119,916,318-119,916,322 gives the same sequence; the c. name uses the placement nearest the transcript's 3' end. VCF-style (leftmost placement, unchanged base first): chr1-119916317-CAG-C. GRCh37 (hg19) VCF-style: chr1-120458940-CAG-C.
Other names: c.6403_6404delCT (NM_024408.3); short protein forms L2135fs.
Identifiers: ClinVar variation 946387 (VCV000946387.23), dbSNP rs1649067817, ClinGen allele CA1192514715.
Genomic context (GRCh38, chr1:119,916,317, plus strand): 5'-TTCTAGGGAATCAACAGGGGATAAAGTTACTGAACTCTCAGACAGTTGGACCTTCTCACT[CAG>C]AGACTTCTTCCTCCTACTACCCTTGGCATCCTTTGCCTCCTTGGCAAGGTTAGGGAGGCT-3'

ClinVar aggregate classification (germline): Pathogenic/Likely pathogenic. Review status: criteria provided, multiple submitters, no conflicts (2 of 4 stars). 3 submissions from 3 submitters: Pathogenic (2); Likely pathogenic (1). Last evaluated 2024-07-01.

Conditions:
NOTCH2-related disorder. Also called: NOTCH2-related condition.
Hajdu-Cheney syndrome (HJCYS). Also called: Acroosteolysis dominant type; ACROOSTEOLYSIS WITH OSTEOPOROSIS AND CHANGES IN SKULL AND MANDIBLE; SERPENTINE FIBULA-POLYCYSTIC KIDNEY SYNDROME. Identifiers: Orphanet 955, MedGen C0917715, MONDO:0007057, OMIM 102500.

Submissions (3):

CeGaT Center for Human Genetics Tuebingen
Classification: Likely pathogenic. Last evaluated: 2024-07-01. Review status: criteria provided, single submitter. Criteria: CeGaT Center For Human Genetics Tuebingen Variant Classification Criteria Version 2. Collection method: clinical testing. Allele origin: germline. Affected: yes. Observed: 1 variant allele.
Comment: NOTCH2: PM2, PM4, PM5:Supporting, PS4:Supporting

PreventionGenetics, part of Exact Sciences
Classification: Pathogenic for NOTCH2-related condition. Last evaluated: 2023-02-23. Review status: criteria provided, single submitter. Criteria: ACMG Guidelines, 2015. Collection method: clinical testing. Allele origin: germline.
Comment: The NOTCH2 c.6403_6404delCT variant is predicted to result in a frameshift and premature protein termination (p.Leu2135Glufs*2). This variant has been previously reported in an individual with Hajdu-Cheney syndrome (Majewski et al. 2011. PubMed ID: 21681853). This variant has not been reported in a large population database, indicating this variant is rare. Frameshift variants in NOTCH2 are expected to be pathogenic. This variant is interpreted as pathogenic.

Labcorp Genetics (formerly Invitae), Labcorp
Classification: Pathogenic for Hajdu-Cheney syndrome. Last evaluated: 2021-08-31. Review status: criteria provided, single submitter. Criteria: Invitae Variant Classification Sherloc (09022015). Collection method: clinical testing. Allele origin: germline.